The following is an entry in ClinVar:

ClinVar aggregate classification (germline): Uncertain significance (1 of 4 stars; one submission).

Conditions:
Autosomal dominant limb-girdle muscular dystrophy type 1G (LGMDD3). Also called: Limb-girdle muscular dystrophy, type 1G; MUSCULAR DYSTROPHY, LIMB-GIRDLE, AUTOSOMAL DOMINANT 3. Identifiers: Orphanet 55596, MedGen C1836765, MONDO:0012193, OMIM 609115.

Submission:

Labcorp Genetics (formerly Invitae), Labcorp
Classification: Uncertain significance for Autosomal dominant limb-girdle muscular dystrophy type 1G. Last evaluated: 2024-11-05. Review status: criteria provided, single submitter. Criteria: Invitae Variant Classification Sherloc (09022015). Collection method: clinical testing. Allele origin: germline.
Comment: This sequence change replaces arginine, which is basic and polar, with proline, which is neutral and non-polar, at codon 332 of the HNRNPDL protein (p.Arg332Pro). This variant is not present in population databases (gnomAD no frequency). This variant has not been reported in the literature in individuals affected with HNRNPDL-related conditions. An algorithm developed to predict the effect of missense changes on protein structure and function (PolyPhen-2) suggests that this variant is likely to be disruptive. In summary, the available evidence is currently insufficient to determine the role of this variant in disease. Therefore, it has been classified as a Variant of Uncertain Significance.

NM_031372.4(HNRNPDL):c.995G>C (p.Arg332Pro)

Gene: HNRNPDL (heterogeneous nuclear ribonucleoprotein D like; minus strand). Cytogenetic location: 4q21.22.
Variant type: single nucleotide variant.
Coding change: c.995G>C on transcript NM_031372.4 (MANE Select); coding-DNA position 995, G replaced by C.
Protein change: p.Arg332Pro; replaces arginine 332 with proline.
Molecular consequence: missense variant. On other transcripts: non-coding transcript variant (1).
Genome position (GRCh38, 1-based): chr4:82,427,216, C>G on the plus strand (G>C on the coding strand, the complement: HNRNPDL is on the minus strand). VCF-style: chr4-82427216-C-G. GRCh37 (hg19) VCF-style: chr4-83348369-C-G.
Other names: c.995G>C, p.Arg332Pro (NM_001207000.1); short protein forms R332P.
Identifiers: ClinVar variation 3718651 (VCV003718651.2).